The following is an entry in ClinVar:

ClinVar aggregate classification (germline): Likely benign. Review status: criteria provided, multiple submitters, no conflicts (2 of 4 stars). 4 submissions from 4 submitters: Likely benign (3). 1 of the submissions does not count toward it. Last evaluated 2025-10-31.

Conditions:
Familial thoracic aortic aneurysm and aortic dissection (TAAD). Also called: Thoracic aortic aneurysms and dissections. Identifiers: Orphanet 91387, MedGen C4707243, MONDO:0019625.
PRKG1-related disorder. Also called: PRKG1-related condition.
Aortic aneurysm, familial thoracic 8 (AAT8). Identifiers: MedGen C3809513, MONDO:0014187, OMIM 615436.

Allele frequency attached by ClinVar (database versions not stated): ExAC 0.00002; gnomAD exomes 0.00002; TOPMed 0.00002.
gnomAD v4.1: 24 of 1,613,732 alleles (0.0015%); highest among the groups gnomAD compares: Non-Finnish European, 0.0019%; 1 homozygote.

Submissions (4):

Labcorp Genetics (formerly Invitae), Labcorp
Classification: Likely benign for Aortic aneurysm, familial thoracic 8. Last evaluated: 2025-10-31. Review status: criteria provided, single submitter. Criteria: Invitae Variant Classification Sherloc (09022015). Collection method: clinical testing. Allele origin: germline.

Women's Health and Genetics/Laboratory Corporation of America, LabCorp
Classification: Likely benign. Last evaluated: 2024-11-11. Review status: criteria provided, single submitter. Criteria: LabCorp Variant Classification Summary - May 2015. Collection method: clinical testing. Allele origin: germline.

Ambry Genetics
Classification: Likely benign for Familial thoracic aortic aneurysm and aortic dissection. Last evaluated: 2022-01-02. Review status: criteria provided, single submitter. Criteria: Ambry Variant Classification Scheme 2023. Collection method: clinical testing. Allele origin: germline.

PreventionGenetics, part of Exact Sciences
Classification: Likely benign for PRKG1-related condition. Last evaluated: 2021-07-01. Review status: no assertion criteria provided. Collection method: clinical testing. Allele origin: germline. Not counted in ClinVar's aggregate classification.
Comment: This variant is classified as likely benign based on ACMG/AMP sequence variant interpretation guidelines (Richards et al. 2015 PMID: 25741868, with internal and published modifications).

NM_006258.4(PRKG1):c.735C>G (p.Leu245=)

Gene: PRKG1 (protein kinase cGMP-dependent 1; plus strand). Cytogenetic location: 10q21.1.
Variant type: single nucleotide variant.
Coding change: c.735C>G on transcript NM_006258.4 (MANE Select); coding-DNA position 735, C replaced by G.
Protein change: p.Leu245=; no amino-acid change (leucine 245 retained).
Molecular consequence: synonymous variant.
Genome position (GRCh38, 1-based): chr10:51,907,543, C>G. VCF-style: chr10-51907543-C-G. GRCh37 (hg19) VCF-style: chr10-53667303-C-G.
Other names: c.690C>G, p.Leu230= (NM_001098512.3); c.735C>G, p.Leu245= (NM_001374782.1).
Identifiers: ClinVar variation 745381 (VCV000745381.14), dbSNP rs761346689, ClinGen allele CA5503597.